The following is an entry in ClinVar:

ClinVar aggregate classification (germline): Uncertain significance. Review status: criteria provided, single submitter (1 of 4 stars). 2 submissions from 2 submitters: Uncertain significance (1). 1 of the submissions does not count toward it. Last evaluated 2025-09-02.

Conditions:
Johanson-Blizzard syndrome (JBS). Also called: Nasal alar hypoplasia, hypothyroidism, pancreatic achylia and congenital deafness. Identifiers: Orphanet 2315, MedGen C0175692, MONDO:0009479, OMIM 243800.

gnomAD v4.1: 1 of 1,613,666 alleles (0.000062%); highest among the groups gnomAD compares: Non-Finnish European, 0.000085%; no homozygotes.

Submissions (2):

Women's Health and Genetics/Laboratory Corporation of America, LabCorp
Classification: Uncertain significance. Last evaluated: 2025-09-02. Review status: criteria provided, single submitter. Criteria: LabCorp Variant Classification Summary - May 2015. Collection method: clinical testing. Allele origin: germline.
Comment: Variant summary: UBR1 c.407A>G (p.His136Arg) results in a non-conservative amino acid change located in the UBR-type zinc finger domain (also called as UBR-box; IPR003126, IPR047507), affecting a Zinc-coordinating His residue (UniProt) in the encoded protein sequence. Algorithms developed to predict the effect of missense changes on protein structure and function all suggest that this variant is likely to be disruptive. The variant was absent in 251268 control chromosomes (gnomAD). The available data on variant occurrences in the general population are insufficient to allow any conclusion about variant significance. c.407A>G has been observed in at least one individual affected with Johanson-Blizzard Syndrome (Zenker_2005). These data do not allow clear conclusions about variant significance. Publications also reported experimental evidence evaluating an impact on protein function, and demonstrated that the variant prevents proper folding of the UBR-type zinc finger domain (Matta-Camacho_2010), in addition, the UBR1 protein was completely absent in patient lymphocytes and the corresponding missense variant in the yeast protein (H160R) resulted in loss of activity, together with a low protein level in the yeast expression system (Hwang_2011); these results suggest that the His136 residue is important for the proper folding of the UBR box domain of the protein. The following publications have been ascertained in the context of this evaluation (PMID: 21931868, 20835242, 16311597). ClinVar contains an entry for this variant (Variation ID: 4678). Based on the evidence outlined above, the variant was classified as VUS-possibly pathogenic.

OMIM
Classification: Pathogenic for JOHANSON-BLIZZARD SYNDROME. Last evaluated: 2005-12-01. Review status: no assertion criteria provided. Collection method: literature only. Allele origin: germline. Not counted in ClinVar's aggregate classification.

Literature cited by the submitters: PubMed 21931868 (cited by Women's Health and Genetics/Laboratory Corporation of America, LabCorp); PubMed 20835242 (cited by Women's Health and Genetics/Laboratory Corporation of America, LabCorp); PubMed 16311597 (cited by Women's Health and Genetics/Laboratory Corporation of America, LabCorp and OMIM).

NM_174916.3(UBR1):c.407A>G (p.His136Arg)

Gene: UBR1 (ubiquitin protein ligase E3 component n-recognin 1; minus strand). Cytogenetic location: 15q15.2.
Variant type: single nucleotide variant.
Coding change: c.407A>G on transcript NM_174916.3 (MANE Select); coding-DNA position 407, A replaced by G.
Protein change: p.His136Arg; replaces histidine 136 with arginine.
Molecular consequence: missense variant.
Genome position (GRCh38, 1-based): chr15:43,082,648, T>C on the plus strand (A>G on the coding strand, the complement: UBR1 is on the minus strand). VCF-style: chr15-43082648-T-C. GRCh37 (hg19) VCF-style: chr15-43374846-T-C.
Other names: short protein forms H136R.
Identifiers: ClinVar variation 4678 (VCV000004678.2), dbSNP rs119477054, ClinGen allele CA117012.
Genomic context (GRCh38, chr15:43,082,648, plus strand): 5'-ATGGCCATCAGATTCCTGCTTATTCAGAGGTTATGGTTATATTTTCTTACCTTGTAACGA[T>C]GATTTTTATGAACACTGTCCTGGAAGCAGTCCATACAGAGTACACATGTTGGATCAATTG-3'
Protein context (NP_777576.1, residues 126-146): DCFQDSVHKN[His136Arg]RYKMHTSTGG